The following is an entry in ClinVar:

ClinVar aggregate classification (germline): Uncertain significance. Review status: criteria provided, multiple submitters, no conflicts (2 of 4 stars). 3 submissions from 3 submitters: Uncertain significance (3). Last evaluated 2025-06-03.

Conditions:
Inborn genetic diseases. Identifiers: MedGen C0950123, MeSH D030342.

Allele frequency attached by ClinVar (database versions not stated): gnomAD exomes 0.00001 and 0.00002; ExAC 0.00003; gnomAD 0.00003.
gnomAD v4.1: 20 of 1,611,838 alleles (0.0012%); highest among the groups gnomAD compares: Admixed American, 0.005%; no homozygotes.

Submissions (3):

Ambry Genetics
Classification: Uncertain significance for Inborn genetic diseases. Last evaluated: 2025-06-03. Review status: criteria provided, single submitter. Criteria: Ambry Variant Classification Scheme 2023. Collection method: clinical testing. Allele origin: germline.

Labcorp Genetics (formerly Invitae), Labcorp
Classification: Uncertain significance. Last evaluated: 2023-07-17. Review status: criteria provided, single submitter. Criteria: Invitae Variant Classification Sherloc (09022015). Collection method: clinical testing. Allele origin: germline.
Comment: In summary, the available evidence is currently insufficient to determine the role of this variant in disease. Therefore, it has been classified as a Variant of Uncertain Significance. Algorithms developed to predict the effect of missense changes on protein structure and function output the following: SIFT: "Not Available"; PolyPhen-2: "Benign"; Align-GVGD: "Not Available". The serine amino acid residue is found in multiple mammalian species, which suggests that this missense change does not adversely affect protein function. ClinVar contains an entry for this variant (Variation ID: 1303333). This variant has not been reported in the literature in individuals affected with MPDZ-related conditions. This variant is present in population databases (rs759740315, gnomAD 0.01%). This sequence change replaces asparagine, which is neutral and polar, with serine, which is neutral and polar, at codon 1277 of the MPDZ protein (p.Asn1277Ser).

GeneDx
Classification: Uncertain significance. Last evaluated: 2019-08-13. Review status: criteria provided, single submitter. Criteria: GeneDx Variant Classification Process June 2021. Collection method: clinical testing. Allele origin: germline. Affected: yes.
Comment: In silico analysis, which includes protein predictors and evolutionary conservation, supports that this variant does not alter protein structure/function; Has not been previously published as pathogenic or benign to our knowledge

NM_001378778.1(MPDZ):c.3830A>G (p.Asn1277Ser)

Gene: MPDZ (multiple PDZ domain crumbs cell polarity complex component; minus strand). Cytogenetic location: 9p23.
Variant type: single nucleotide variant.
Coding change: c.3830A>G on transcript NM_001378778.1 (MANE Select); coding-DNA position 3830, A replaced by G.
Protein change: p.Asn1277Ser; replaces asparagine 1277 with serine.
Molecular consequence: missense variant. On other transcripts: intron variant (14).
Genome position (GRCh38, 1-based): chr9:13,143,476, T>C on the plus strand (A>G on the coding strand, the complement: MPDZ is on the minus strand). VCF-style: chr9-13143476-T-C. GRCh37 (hg19) VCF-style: chr9-13143475-T-C.
Other names: c.3830A>G (NM_003829.3); c.3830A>G, p.Asn1277Ser (NM_001330637.2, NM_001375413.1, NM_003829.5); c.3631-3327A>G (NM_001375425.1, NM_001375420.1, NM_001375423.1 and 4 more transcripts); c.3742-3327A>G (NM_001375419.1, NM_001375416.1, NM_001375418.1 and 3 more transcripts); c.3433-3327A>G (NM_001375427.1); short protein forms N1277S.
Identifiers: ClinVar variation 1303333 (VCV001303333.10), dbSNP rs759740315, ClinGen allele CA4986960.